The following is an entry in ClinVar:

NM_007294.4(BRCA1):c.4357+1GT[4]

Gene: BRCA1 (BRCA1 DNA repair associated; minus strand). Cytogenetic location: 17q21.31.
Variant type: Microsatellite.
Coding change: c.4357+1GT[4] on transcript NM_007294.4 (MANE Select); four copies in a row of the 2-base unit GT starting at c.4357+1; the reference has three copies in a row; one copy, 2 bases duplicated.
Molecular consequence: splice donor variant.
Genome position (GRCh38, 1-based): chr17:43,082,398-43,082,399, AC duplicated on the plus strand (GT on the coding strand, the reverse complement: BRCA1 is on the minus strand); duplicating any 2 consecutive bases within chr17:43,082,398-43,082,403 gives the same sequence; the position shown is the placement nearest the transcript's 3' end. VCF-style (leftmost placement, unchanged base first): chr17-43082397-T-TAC. GRCh37 (hg19) VCF-style: chr17-41234414-T-TAC.
Other names: c.4213+1GT[4] (NM_001407746.1, NM_001407747.1, NM_001407839.1 and 23 more transcripts); c.907+1GT[4] (NM_001408461.1, NM_001408458.1, NM_001408453.1 and 8 more transcripts); c.4216+1GT[4] (NM_001407738.1, NM_001407737.1, NM_001407728.1 and 23 more transcripts); c.4234+1GT[4] (NM_001407665.1, NM_001407863.1, NM_001407679.1 and 13 more transcripts); c.4147+1GT[4] (NM_001407886.1, NM_001407885.1, NM_001407881.1 and 9 more transcripts); c.4228+1GT[4] (NM_001407686.1, NM_001407691.1, NM_001407685.1 and 2 more transcripts); c.1045+1GT[4] (NM_001408397.1, NM_001407980.1, NM_001408396.1 and 18 more transcripts); c.4351+1GT[4] (NM_001407632.1, NM_001407644.1, NM_001407627.1 and 5 more transcripts); and 51 more.
Identifiers: ClinVar variation 3481868 (VCV003481868.1).

ClinVar aggregate classification (germline): Uncertain significance (1 of 4 stars; one submission).

Conditions:
Hereditary cancer-predisposing syndrome. Also called: Tumor predisposition; Neoplastic Syndromes, Hereditary; Hereditary Cancer Syndrome; Hereditary neoplastic syndrome. Identifiers: Orphanet 140162, MedGen C0027672, MeSH D009386, MONDO:0015356.

Submission:

Ambry Genetics
Classification: Uncertain significance for Hereditary cancer-predisposing syndrome. Last evaluated: 2024-10-10. Review status: criteria provided, single submitter. Criteria: Ambry Variant Classification Scheme 2023. Collection method: clinical testing. Allele origin: germline.
Comment: The c.4357+5_4357+6dupGT intronic variant, results from a duplication of 4 nucleotides at nucleotide position 4357 after intron 11 of the BRCA1 gene. This nucleotide region is well conserved in available vertebrate species. In silico splice site analysis predicts that this alteration may result in the creation or strengthening of a novel splice donor site. Based on the available evidence, the clinical significance of this variant remains unclear.